The following is an entry in ClinVar:

ClinVar aggregate classification (germline): Uncertain significance (1 of 4 stars; one submission).

Conditions:
Inborn genetic diseases. Identifiers: MedGen C0950123, MeSH D030342.

gnomAD v4.1: 1 of 1,614,058 alleles (0.000062%); highest among the groups gnomAD compares: Non-Finnish European, 0.000085%; no homozygotes.

Submission:

Ambry Genetics
Classification: Uncertain significance for Inborn genetic diseases. Last evaluated: 2021-09-29. Review status: criteria provided, single submitter. Criteria: Ambry Variant Classification Scheme 2023. Collection method: clinical testing. Allele origin: germline.
Comment: The p.S578I variant (also known as c.1733G>T), located in coding exon 18 of the ERCC2 gene, results from a G to T substitution at nucleotide position 1733. The serine at codon 578 is replaced by isoleucine, an amino acid with dissimilar properties. This amino acid position is conserved. In addition, this alteration is predicted to be deleterious by in silico analysis. Since supporting evidence is limited at this time, the clinical significance of this alteration remains unclear.

NM_000400.4(ERCC2):c.1733G>T (p.Ser578Ile)

Gene: ERCC2 (ERCC excision repair 2, TFIIH core complex helicase subunit; minus strand). Cytogenetic location: 19q13.32.
Variant type: single nucleotide variant.
Coding change: c.1733G>T on transcript NM_000400.4 (MANE Select); coding-DNA position 1733, G replaced by T.
Protein change: p.Ser578Ile; replaces serine 578 with isoleucine.
Molecular consequence: missense variant.
Genome position (GRCh38, 1-based): chr19:45,353,267, C>A on the plus strand (G>T on the coding strand, the complement: ERCC2 is on the minus strand). VCF-style: chr19-45353267-C-A. GRCh37 (hg19) VCF-style: chr19-45856525-C-A.
Other names: short protein forms S578I.
Identifiers: ClinVar variation 1779033 (VCV001779033.2), dbSNP rs1971889736, ClinGen allele CA406364396.